The following is an entry in ClinVar:

ClinVar aggregate classification (germline): Uncertain significance. Review status: criteria provided, multiple submitters, no conflicts (2 of 4 stars). 2 submissions from 2 submitters: Uncertain significance (2). Last evaluated 2025-09-11.

Conditions:
Klippel-Feil syndrome 3, autosomal dominant (KFS3). Identifiers: Orphanet 2345, MedGen C3150967, MONDO:0013375, OMIM 613702.

gnomAD v4.1: 26 of 1,613,498 alleles (0.0016%); highest among the groups gnomAD compares: Admixed American, 0.0067%; no homozygotes.

Submissions (2):

Ambry Genetics
Classification: Uncertain significance. Last evaluated: 2025-09-11. Review status: criteria provided, single submitter. Criteria: Ambry Variant Classification Scheme 2023. Collection method: clinical testing. Allele origin: germline.

Labcorp Genetics (formerly Invitae), Labcorp
Classification: Uncertain significance for Klippel-Feil syndrome 3, autosomal dominant. Last evaluated: 2024-09-17. Review status: criteria provided, single submitter. Criteria: Invitae Variant Classification Sherloc (09022015). Collection method: clinical testing. Allele origin: germline.
Comment: This sequence change replaces valine, which is neutral and non-polar, with isoleucine, which is neutral and non-polar, at codon 320 of the GDF3 protein (p.Val320Ile). This variant is present in population databases (rs755496462, gnomAD 0.003%). This variant has not been reported in the literature in individuals affected with GDF3-related conditions. Invitae Evidence Modeling of protein sequence and biophysical properties (such as structural, functional, and spatial information, amino acid conservation, physicochemical variation, residue mobility, and thermodynamic stability) indicates that this missense variant is not expected to disrupt GDF3 protein function with a negative predictive value of 80%. In summary, the available evidence is currently insufficient to determine the role of this variant in disease. Therefore, it has been classified as a Variant of Uncertain Significance.

NM_020634.3(GDF3):c.958G>A (p.Val320Ile)

Gene: GDF3 (growth differentiation factor 3; minus strand). Cytogenetic location: 12p13.31.
Variant type: single nucleotide variant.
Coding change: c.958G>A on transcript NM_020634.3 (MANE Select); coding-DNA position 958, G replaced by A.
Protein change: p.Val320Ile; replaces valine 320 with isoleucine.
Molecular consequence: missense variant.
Genome position (GRCh38, 1-based): chr12:7,690,015, C>T on the plus strand (G>A on the coding strand, the complement: GDF3 is on the minus strand). VCF-style: chr12-7690015-C-T. GRCh37 (hg19) VCF-style: chr12-7842611-C-T.
Other names: c.958G>A (NM_020634.1); short protein forms V320I.
Identifiers: ClinVar variation 3631807 (VCV003631807.3).